The following is an entry in ClinVar:

ClinVar aggregate classification (germline): Uncertain significance (1 of 4 stars; one submission).

Allele frequency attached by ClinVar (database versions not stated): ExAC 0.00003.
gnomAD v4.1: 9 of 1,614,206 alleles (0.00056%); highest among the groups gnomAD compares: South Asian, 0.0055%; no homozygotes.

Submission:

Quest Diagnostics Nichols Institute San Juan Capistrano
Classification: Uncertain significance. Last evaluated: 2023-05-19. Review status: criteria provided, single submitter. Criteria: Quest Diagnostics criteria. Collection method: clinical testing. Allele origin: unknown.
Comment: To the best of our knowledge, this variant has not been reported in the published literature. The frequency of this variant in the general population, 0.000098 (3/30616 chromosomes (Genome Aggregation Database)), is uninformative in the assessment of its pathogenicity. Analysis of this variant using bioinformatics tools for the prediction of the effect of amino acid changes on protein structure and function yielded conflicting predictions that this variant is benign or damaging. Based on the available information, we are unable to determine the clinical significance of this variant.

NM_000135.4(FANCA):c.2722C>T (p.Leu908Phe)

Gene: FANCA (FA complementation group A; minus strand). Cytogenetic location: 16q24.3.
Variant type: single nucleotide variant.
Coding change: c.2722C>T on transcript NM_000135.4 (MANE Select); coding-DNA position 2722, C replaced by T.
Protein change: p.Leu908Phe; replaces leucine 908 with phenylalanine.
Molecular consequence: missense variant.
Genome position (GRCh38, 1-based): chr16:89,764,946, G>A on the plus strand (C>T on the coding strand, the complement: FANCA is on the minus strand). VCF-style: chr16-89764946-G-A. GRCh37 (hg19) VCF-style: chr16-89831354-G-A.
Other names: c.2722C>T, p.Leu908Phe (NM_001286167.3); short protein forms L908F.
Identifiers: ClinVar variation 2681899 (VCV002681899.1), dbSNP rs771533453, ClinGen allele CA8251584.